The following is an entry in ClinVar:

ClinVar aggregate classification (germline): Likely pathogenic (1 of 4 stars; one submission).

Conditions:
Neurodevelopmental disorder with dysmorphic facies and variable seizures (NEDDFAS). Also called: EMC10-Related Neurodevelopmental Disorder. Identifiers: MedGen C5543268, MONDO:0031011, OMIM 619264.

Submission:

Department of Medical Genetics/Prenatal Diagnostic Center, West China Second University Hospital, Sichuan University
Classification: Likely pathogenic for Neurodevelopmental disorder with dysmorphic facies and variable seizures. Last evaluated: 2026-02-05. Review status: criteria provided, single submitter. Criteria: ACMG Guidelines, 2015. Collection method: clinical testing. Allele origin: paternal. Inheritance: Autosomal recessive inheritance. Affected: yes. Observed: 1 variant allele.
Comment: Variant summary: EMC10 c.183del is a frameshift variant located in exon 2 of the NM_206538.4 transcript. The variant is predicted to introduce a premature termination codon, resulting in a truncated protein or nonsense-mediated decay. The variant is absent from gnomAD. Based on ACMG/AMP criteria PVS1 and PM2_Supporting, this variant was classified as likely pathogenic.

NM_206538.4(EMC10):c.183del (p.Ile62fs)

Gene: EMC10 (ER membrane protein complex subunit 10; plus strand). Cytogenetic location: 19q13.33.
Variant type: Deletion.
Coding change: c.183del on transcript NM_206538.4 (MANE Select); coding-DNA position 183, one base deleted (G; older notation c.183delG).
Protein change: p.Ile62fs; shifts the reading frame from isoleucine 62.
Molecular consequence: frameshift variant.
Genome position (GRCh38, 1-based): chr19:50,477,997, G deleted. VCF-style (leftmost placement, unchanged base first): chr19-50477996-AG-A. GRCh37 (hg19) VCF-style: chr19-50981253-AG-A.
Other names: c.183del, p.Ile62fs (NM_175063.6); short protein forms I62fs.
Identifiers: ClinVar variation 4819269 (VCV004819269.1).